The following is an entry in ClinVar:

ClinVar aggregate classification (germline): Uncertain significance (1 of 4 stars; one submission).

Submission:

Labcorp Genetics (formerly Invitae), Labcorp
Classification: Uncertain significance. Last evaluated: 2021-09-24. Review status: criteria provided, single submitter. Criteria: Invitae Variant Classification Sherloc (09022015). Collection method: clinical testing. Allele origin: germline.
Comment: In summary, the available evidence is currently insufficient to determine the role of this variant in disease. Therefore, it has been classified as a Variant of Uncertain Significance. This sequence change replaces glutamic acid with glycine at codon 206 of the PDE6B protein (p.Glu206Gly). The glutamic acid residue is moderately conserved and there is a moderate physicochemical difference between glutamic acid and glycine. This variant is not present in population databases (ExAC no frequency). This variant has not been reported in the literature in individuals affected with PDE6B-related conditions. Algorithms developed to predict the effect of missense changes on protein structure and function are either unavailable or do not agree on the potential impact of this missense change (SIFT: "Deleterious"; PolyPhen-2: "Possibly Damaging"; Align-GVGD: "Class C0").

NM_000283.4(PDE6B):c.617A>G (p.Glu206Gly)

Gene: PDE6B (phosphodiesterase 6B; plus strand). Cytogenetic location: 4p16.3.
Variant type: single nucleotide variant.
Coding change: c.617A>G on transcript NM_000283.4 (MANE Select); coding-DNA position 617, A replaced by G.
Protein change: p.Glu206Gly; replaces glutamic acid 206 with glycine.
Molecular consequence: missense variant.
Genome position (GRCh38, 1-based): chr4:634,825, A>G. VCF-style: chr4-634825-A-G. GRCh37 (hg19) VCF-style: chr4-628614-A-G.
Other names: c.617A>G, p.Glu206Gly (NM_001145291.2); short protein forms E206G.
Identifiers: ClinVar variation 1382991 (VCV001382991.6), dbSNP rs913609037, ClinGen allele CA91060176.